The following is an entry in ClinVar:

ClinVar aggregate classification (germline): Likely benign (0 of 4 stars; one submission).

Conditions:
CABIN1-related disorder. Also called: CABIN1-related condition.

Allele frequency attached by ClinVar (database versions not stated): gnomAD exomes 0.00003; ExAC 0.00004; gnomAD 0.00016; TOPMed 0.00017.
gnomAD v4.1: 68 of 1,612,686 alleles (0.0042%); highest among the groups gnomAD compares: African/African-American, 0.041%; no homozygotes.

Submission:

PreventionGenetics, part of Exact Sciences
Classification: Likely benign for CABIN1-related condition. Last evaluated: 2019-03-11. Review status: no assertion criteria provided. Collection method: clinical testing. Allele origin: germline.
Comment: This variant is classified as likely benign based on ACMG/AMP sequence variant interpretation guidelines (Richards et al. 2015 PMID: 25741868, with internal and published modifications).

NM_012295.4(CABIN1):c.5064C>T (p.Thr1688=)

Gene: CABIN1 (calcineurin binding protein 1; plus strand). Cytogenetic location: 22q11.23.
Variant type: single nucleotide variant.
Coding change: c.5064C>T on transcript NM_012295.4 (MANE Select); coding-DNA position 5064, C replaced by T.
Protein change: p.Thr1688=; no amino-acid change (threonine 1688 retained).
Molecular consequence: synonymous variant.
Genome position (GRCh38, 1-based): chr22:24,166,695, C>T. VCF-style: chr22-24166695-C-T. GRCh37 (hg19) VCF-style: chr22-24562663-C-T.
Other names: c.5064C>T, p.Thr1688= (NM_001199281.1); c.4914C>T, p.Thr1638= (NM_001201429.2).
Identifiers: ClinVar variation 3034393 (VCV003034393.2), dbSNP rs775644244, ClinGen allele CA10149672.
Genomic context (GRCh38, chr22:24,166,695, plus strand): 5'-GTAGGGGTCAGAACGCCCAGGGCCCAAGGTCTGTGGCCTCCCCGGAGCCAGGATGACCAC[C>T]GATGTCTCACACAAGGCCAGTCCTGAGGATGGCCAGGAGGGCCTCCCCCAGCCGAAGAAG-3'
Protein context (NP_036427.1, residues 1678-1698): VCGLPGARMT[Thr1688=]DVSHKASPED